The following is an entry in ClinVar:

ClinVar aggregate classification (germline): Conflicting classifications of pathogenicity. Review status: criteria provided, conflicting classifications (1 of 4 stars). 4 submissions from 3 submitters: Uncertain significance (2); Likely benign (2). Last evaluated 2026-07-01.

Conditions:
Microcephaly 9, primary, autosomal recessive. Identifiers: Orphanet 2512, MedGen C3553886, MONDO:0013923, OMIM 614852.
Seckel syndrome 5 (SCKL5). Identifiers: Orphanet 808, MedGen C3151187, MONDO:0013443, OMIM 613823.

Allele frequency attached by ClinVar (database versions not stated): ESP Exome Variant Server 0.00025; TOPMed 0.00025; gnomAD 0.00028 and 0.00029; 1000 Genomes Project 30x 0.00047; ExAC 0.00055; 1000 Genomes Project 0.00060.
gnomAD v4.1: 570 of 1,614,158 alleles (0.035%); highest among the groups gnomAD compares: Middle Eastern, 0.18%; 3 homozygotes.

Submissions (4):

CeGaT Center for Human Genetics Tuebingen
Classification: Likely benign. Last evaluated: 2026-07-01. Review status: criteria provided, single submitter. Criteria: CeGaT Center For Human Genetics Tuebingen Variant Classification Criteria Version 2. Collection method: clinical testing. Allele origin: germline. Affected: yes. Observed: 5 variant alleles.
Comment: CEP152: BP4, BS2

Labcorp Genetics (formerly Invitae), Labcorp
Classification: Likely benign. Last evaluated: 2025-11-18. Review status: criteria provided, single submitter. Criteria: Invitae Variant Classification Sherloc (09022015). Collection method: clinical testing. Allele origin: germline.

Illumina Laboratory Services, Illumina
Classification: Uncertain significance for Microcephaly 9, primary, autosomal recessive. Last evaluated: 2017-04-27. Review status: criteria provided, single submitter. Criteria: ICSL Variant Classification Criteria 13 December 2019. Collection method: clinical testing. Allele origin: germline.
Comment: This variant was observed as part of a predisposition screen in an ostensibly healthy population. A literature search was performed for the gene, cDNA change, and amino acid change (where applicable). Publications were found based on this search. However, the evidence from the literature, in combination with allele frequency data from public databases where available, was not sufficient to rule this variant in or out of causing disease. Therefore, this variant is classified as a variant of unknown significance.

Illumina Laboratory Services, Illumina
Classification: Uncertain significance for Seckel syndrome 5. Last evaluated: 2017-04-27. Review status: criteria provided, single submitter. Criteria: ICSL Variant Classification Criteria 13 December 2019. Collection method: clinical testing. Allele origin: germline.

Literature cited by the submitters: PubMed 25996639 (cited by Illumina Laboratory Services, Illumina).

NM_001194998.2(CEP152):c.4738A>G (p.Thr1580Ala)

Gene: CEP152 (centrosomal protein 152; minus strand). Cytogenetic location: 15q21.1.
Variant type: single nucleotide variant.
Coding change: c.4738A>G on transcript NM_001194998.2 (MANE Select); coding-DNA position 4738, A replaced by G.
Protein change: p.Thr1580Ala; replaces threonine 1580 with alanine.
Molecular consequence: missense variant.
Genome position (GRCh38, 1-based): chr15:48,738,644, T>C on the plus strand (A>G on the coding strand, the complement: CEP152 is on the minus strand). VCF-style: chr15-48738644-T-C. GRCh37 (hg19) VCF-style: chr15-49030841-T-C.
Other names: c.4570A>G, p.Thr1524Ala (NM_014985.4); short protein forms T1524A, T1580A.
Identifiers: ClinVar variation 885879 (VCV000885879.35), dbSNP rs200883218, ClinGen allele CA7548049.
Genomic context (GRCh38, chr15:48,738,644, plus strand): 5'-CCAAAGTTCCTTGTGGCCTACCATGTACAAATGATGCTTCACGACTGTCAAAGGATAAGG[T>C]TGCACTGCTGGAAGGCCAGCCCAAGCAGTCACTAAGGTCCCCTCCATCTTTTACTGGAGG-3'
Protein context (NP_001181927.1, residues 1570-1590): DCLGWPSSSA[Thr1580Ala]LSFDSREASF